The following is an entry in ClinVar:

NM_014974.3(DIP2C):c.627C>T (p.Asp209=)

Gene: DIP2C (DIP2 acetate--CoA ligase C (putative); minus strand). Cytogenetic location: 10p15.3.
Variant type: single nucleotide variant.
Coding change: c.627C>T on transcript NM_014974.3 (MANE Select); coding-DNA position 627, C replaced by T.
Protein change: p.Asp209=; no amino-acid change (aspartic acid 209 retained).
Molecular consequence: synonymous variant.
Genome position (GRCh38, 1-based): chr10:419,177, G>A on the plus strand (C>T on the coding strand, the complement: DIP2C is on the minus strand). VCF-style: chr10-419177-G-A. GRCh37 (hg19) VCF-style: chr10-465117-G-A.
Other names: c.627C>T (NM_014974.2).
Identifiers: ClinVar variation 1582719 (VCV001582719.10), dbSNP rs143857501, ClinGen allele CA5381257.

ClinVar aggregate classification (germline): Likely benign. Review status: criteria provided, single submitter (1 of 4 stars). 2 submissions from 2 submitters: Likely benign (1). 1 of the submissions does not count toward it. Last evaluated 2025-12-19.

Conditions:
DIP2C-related disorder. Also called: DIP2C-related condition.

Allele frequency attached by ClinVar (database versions not stated): 1000 Genomes Project 30x 0.00031; ESP Exome Variant Server 0.00038; 1000 Genomes Project 0.00040; TOPMed 0.00042; gnomAD 0.00043 and 0.00044.
gnomAD v4.1: 262 of 1,614,256 alleles (0.016%); highest among the groups gnomAD compares: African/African-American, 0.11%; 1 homozygote.

Submissions (2):

Labcorp Genetics (formerly Invitae), Labcorp
Classification: Likely benign. Last evaluated: 2025-12-19. Review status: criteria provided, single submitter. Criteria: Invitae Variant Classification Sherloc (09022015). Collection method: clinical testing. Allele origin: germline.

PreventionGenetics, part of Exact Sciences
Classification: Likely benign for DIP2C-related condition. Last evaluated: 2019-06-06. Review status: no assertion criteria provided. Collection method: clinical testing. Allele origin: germline. Not counted in ClinVar's aggregate classification.
Comment: This variant is classified as likely benign based on ACMG/AMP sequence variant interpretation guidelines (Richards et al. 2015 PMID: 25741868, with internal and published modifications).